The following is an entry in ClinVar:

ClinVar aggregate classification (germline): Likely pathogenic. Review status: criteria provided, multiple submitters, no conflicts (2 of 4 stars). 2 submissions from 2 submitters: Likely pathogenic (2). Last evaluated 2026-05-05.

Conditions:
Cardiovascular phenotype. Identifiers: MedGen CN230736.
Hereditary cancer-predisposing syndrome. Also called: Neoplastic Syndromes, Hereditary; Tumor predisposition; Hereditary neoplastic syndrome; Hereditary Cancer Syndrome. Identifiers: Orphanet 140162, MedGen C0027672, MeSH D009386, MONDO:0015356.
LZTR1-related disorder. Also called: LZTR1-related disorders; LZTR1-related condition.

Submissions (2):

Ambry Genetics
Classification: Likely pathogenic for Cardiovascular phenotype; Hereditary cancer-predisposing syndrome. Last evaluated: 2026-05-05. Review status: criteria provided, single submitter. Criteria: Ambry Variant Classification Scheme 2023. Collection method: clinical testing. Allele origin: germline.
Comment: The c.1260+1delG intronic variant, located in intron 11 of the LZTR1 gene, results from a deletion of one nucleotide within intron 11 of the LZTR1 gene. This variant is considered to be rare based on population cohorts in the Genome Aggregation Database (gnomAD). This nucleotide position is highly conserved in available vertebrate species. In silico splice site analysis predicts that this alteration will weaken the native splice donor site and may result in the creation or strengthening of a novel splice donor site; however, direct evidence is insufficient at this time (Ambry internal data). Alterations that disrupt the canonical splice site are expected to cause aberrant splicing, resulting in an abnormal protein or a transcript that is subject to nonsense-mediated mRNA decay. Loss-of-function variants in LZTR1 are related to an increased risk for schwannomas and autosomal recessive Noonan syndrome; however, such associations with autosomal dominant Noonan syndrome have not been observed (Piotrowski A et al. Nat Genet. 2014 Feb;46:182-7; Yamamoto GL et al. J Med Genet. 2015 Jun;52:413-21; Johnston JJ et al. Genet Med. 2018 10;20:1175-1185). Based on the supporting evidence, this variant is likely pathogenic for an increased risk of LZTR1-related schwannomatosis (SWN) and would be expected to cause autosomal recessive Noonan syndrome when present along with a second pathogenic or likely pathogenic variant on the other allele; however, the association of this variant with autosomal dominant Noonan syndrome is unlikely.

Blueprint Genetics
Classification: Likely pathogenic for LZTR1-related disorders. Last evaluated: 2019-05-10. Review status: criteria provided, single submitter. Criteria: ACMG Guidelines, 2015. Collection method: clinical testing. Allele origin: germline. Affected: yes. Observed: 1 variant allele.

NM_006767.4(LZTR1):c.1260+1del

Gene: LZTR1 (leucine zipper like post translational regulator 1; plus strand). Cytogenetic location: 22q11.21.
Variant type: Deletion.
Coding change: c.1260+1del on transcript NM_006767.4 (MANE Select); the canonical splice donor site of the intron after coding-DNA position 1260, one base deleted (G; older notation c.1260+1delG).
Molecular consequence: splice donor variant.
Genome position (GRCh38, 1-based): chr22:20,992,905, G deleted; the last of 2 consecutive G bases (chr22:20,992,904-20,992,905); deleting either gives the same sequence. VCF-style (leftmost placement, unchanged base first): chr22-20992903-AG-A. GRCh37 (hg19) VCF-style: chr22-21347192-AG-A.
Identifiers: ClinVar variation 4859343 (VCV004859343.2).
Genomic context (GRCh38, chr22:20,992,903, plus strand): 5'-TGTACATCTTCGGGGGCACGGTGGACAACAACATCCGCAGCGGGGAGATGTACAGGTTCC[AG>A]GTGTGGGGCCTGTGGGCCTGTAGAGCCGGCTGGGTGGACGGATCCCCCGTGATGAGAAAC-3'